The following is an entry in ClinVar:

NM_024809.5(TCTN2):c.92C>G (p.Pro31Arg)

Gene: TCTN2 (tectonic family member 2; plus strand). Cytogenetic location: 12q24.31.
Variant type: single nucleotide variant.
Coding change: c.92C>G on transcript NM_024809.5 (MANE Select); coding-DNA position 92, C replaced by G.
Protein change: p.Pro31Arg; replaces proline 31 with arginine.
Molecular consequence: missense variant.
Genome position (GRCh38, 1-based): chr12:123,671,516, C>G. VCF-style: chr12-123671516-C-G. GRCh37 (hg19) VCF-style: chr12-124156063-C-G.
Other names: c.92C>G, p.Pro31Arg (NM_001143850.3); c.92C>G (NM_024809.3); short protein forms P31R.
Identifiers: ClinVar variation 1037326 (VCV001037326.8), dbSNP rs1009530513, ClinGen allele CA245182787.

ClinVar aggregate classification (germline): Uncertain significance. Review status: criteria provided, multiple submitters, no conflicts (2 of 4 stars). 3 submissions from 3 submitters: Uncertain significance (3). Last evaluated 2024-04-01.

Conditions:
Inborn genetic diseases. Identifiers: MedGen C0950123, MeSH D030342.
Joubert syndrome. Also called: Familial aplasia of the vermis; CEREBELLOPARENCHYMAL DISORDER IV; JOUBERT-BOLTSHAUSER SYNDROME. Identifiers: Orphanet 475, MedGen C5979921, MONDO:0018772.
Meckel-Gruber syndrome. Also called: Dysencephalia splachnocystica; DYSENCEPHALIA SPLANCHNOCYSTICA; GRUBER SYNDROME. Identifiers: Orphanet 564, MedGen C0265215, MONDO:0018921.

Allele frequency attached by ClinVar (database versions not stated): gnomAD exomes below 0.00001; TOPMed 0.00002.
gnomAD v4.1: 3 of 1,614,154 alleles (0.00019%); highest among the groups gnomAD compares: Non-Finnish European, 0.000085%; no homozygotes.

Submissions (3):

Women's Health and Genetics/Laboratory Corporation of America, LabCorp
Classification: Uncertain significance. Last evaluated: 2024-04-01. Review status: criteria provided, single submitter. Criteria: LabCorp Variant Classification Summary - May 2015. Collection method: clinical testing. Allele origin: germline.
Comment: Variant summary: TCTN2 c.92C>G (p.Pro31Arg) results in a non-conservative amino acid change in the encoded protein sequence. Five of five in-silico tools predict a damaging effect of the variant on protein function. The variant allele was found at a frequency of 4e-06 in 251408 control chromosomes. The available data on variant occurrences in the general population are insufficient to allow any conclusion about variant significance. To our knowledge, no occurrence of c.92C>G in individuals affected with Joubert Syndrome And Related Disorders and no experimental evidence demonstrating its impact on protein function have been reported. ClinVar contains an entry for this variant (Variation ID: 1037326). Based on the evidence outlined above, the variant was classified as uncertain significance.

Labcorp Genetics (formerly Invitae), Labcorp
Classification: Uncertain significance for Joubert syndrome; Meckel-Gruber syndrome. Last evaluated: 2022-10-13. Review status: criteria provided, single submitter. Criteria: Invitae Variant Classification Sherloc (09022015). Collection method: clinical testing. Allele origin: germline.
Comment: This sequence change replaces proline, which is neutral and non-polar, with arginine, which is basic and polar, at codon 31 of the TCTN2 protein (p.Pro31Arg). This variant is present in population databases (no rsID available, gnomAD no frequency). This variant has not been reported in the literature in individuals affected with TCTN2-related conditions. ClinVar contains an entry for this variant (Variation ID: 1037326). Algorithms developed to predict the effect of missense changes on protein structure and function are either unavailable or do not agree on the potential impact of this missense change (SIFT: "Deleterious"; PolyPhen-2: "Probably Damaging"; Align-GVGD: "Class C0"). In summary, the available evidence is currently insufficient to determine the role of this variant in disease. Therefore, it has been classified as a Variant of Uncertain Significance.

Ambry Genetics
Classification: Uncertain significance for Inborn genetic diseases. Last evaluated: 2022-06-16. Review status: criteria provided, single submitter. Criteria: Ambry Variant Classification Scheme 2023. Collection method: clinical testing. Allele origin: germline.